The following is an entry in ClinVar:

NM_001386135.1(AFF3):c.3516C>T (p.Tyr1172=)

Gene: AFF3 (ALF transcription elongation factor 3; minus strand). Cytogenetic location: 2q11.2.
Variant type: single nucleotide variant.
Coding change: c.3516C>T on transcript NM_001386135.1 (MANE Select); coding-DNA position 3516, C replaced by T.
Protein change: p.Tyr1172=; no amino-acid change (tyrosine 1172 retained).
Molecular consequence: synonymous variant.
Genome position (GRCh38, 1-based): chr2:99,554,354, G>A on the plus strand (C>T on the coding strand, the complement: AFF3 is on the minus strand). VCF-style: chr2-99554354-G-A. GRCh37 (hg19) VCF-style: chr2-100170816-G-A.
Other names: c.3591C>T, p.Tyr1197= (NM_001025108.2); c.3516C>T, p.Tyr1172= (NM_002285.3).
Identifiers: ClinVar variation 3040901 (VCV003040901.2), dbSNP rs757906287, ClinGen allele CA1800527.

ClinVar aggregate classification (germline): Likely benign (0 of 4 stars; one submission).

Conditions:
AFF3-related disorder. Also called: AFF3-related condition.

Allele frequency attached by ClinVar (database versions not stated): ExAC 0.00003; gnomAD 0.00003; gnomAD exomes 0.00003; TOPMed 0.00003.
gnomAD v4.1: 54 of 1,614,060 alleles (0.0033%); highest among the groups gnomAD compares: Admixed American, 0.043%; no homozygotes.

Submission:

PreventionGenetics, part of Exact Sciences
Classification: Likely benign for AFF3-related condition. Last evaluated: 2020-01-02. Review status: no assertion criteria provided. Collection method: clinical testing. Allele origin: germline.
Comment: This variant is classified as likely benign based on ACMG/AMP sequence variant interpretation guidelines (Richards et al. 2015 PMID: 25741868, with internal and published modifications).